The following is an entry in ClinVar:

NM_001267550.2(TTN):c.46667AAG[1] (p.Glu15557del)

Genes: TTN (titin; minus strand), TTN-AS1 (TTN antisense RNA 1; plus strand). Cytogenetic location: 2q31.2.
Variant type: Microsatellite.
Coding change: c.46667AAG[1] on transcript NM_001267550.2 (MANE Select); one copy of the 3-base unit AAG starting at c.46667; the reference has two copies in a row; one copy, 3 bases deleted.
Protein change: p.Glu15557del; deletes glutamic acid 15557.
Molecular consequence: inframe deletion.
Genome position (GRCh38, 1-based): chr2:178,619,645-178,619,647, CTT deleted on the plus strand (AAG on the coding strand, the reverse complement: TTN is on the minus strand); deleting any 3 consecutive bases within chr2:178,619,645-178,619,650 gives the same sequence; the position shown is the placement nearest the transcript's 3' end. VCF-style (leftmost placement, unchanged base first): chr2-178619644-GCTT-G. GRCh37 (hg19) VCF-style: chr2-179484371-GCTT-G.
Other names: c.38966_38968delAAG (NM_133378.4); c.41747_41749del (NM_001256850.1); c.41744AAG[1], p.Glu13916del (NM_001256850.1); c.19472AAG[1], p.Glu6492del (NM_003319.4); c.38963AAG[1], p.Glu12989del (NM_133378.4); c.19847AAG[1], p.Glu6617del (NM_133432.3); c.20048AAG[1], p.Glu6684del (NM_133437.4); c.19475_19477delAAG (NM_003319.4); short protein forms E12989del, E15557del, E6492del, E6684del, E13916del, E6617del.
Identifiers: ClinVar variation 229440 (VCV000229440.8), dbSNP rs876658062, ClinGen allele CA10576524.
Genomic context (GRCh38, chr2:178,619,644, plus strand): 5'-TGATATTGGAAGGATATTTTAAAATAAAGGGACTGACCTGCCAGTTCAAGCTTAGCTCTG[GCTT>G]CTTTGTCTTTGGCAATAAATCTGTATTCACCCTGGTCACGGGGCTTAATATCACAAATCT-3'

ClinVar aggregate classification (germline): Uncertain significance. Review status: criteria provided, multiple submitters, no conflicts (2 of 4 stars). 3 submissions from 3 submitters: Uncertain significance (3). Last evaluated 2025-08-14.

Conditions:
Cardiovascular phenotype. Identifiers: MedGen CN230736.

Submissions (3):

Ambry Genetics
Classification: Uncertain significance for Cardiovascular phenotype. Last evaluated: 2025-08-14. Review status: criteria provided, single submitter. Criteria: Ambry Variant Classification Scheme 2023. Collection method: clinical testing. Allele origin: germline.
Comment: The c.19475_19477delAAG variant (also known as p.E6492del) is located in coding exon 77 of the TTN gene. This variant results from an in-frame AAG deletion at nucleotide positions 19475 to 19477. This results in the in-frame deletion of a glutamic acid at codon 6492. This amino acid position is not well conserved in available vertebrate species. In addition, this variant is predicted to be deleterious by in silico analysis (Choi Y et al. PLoS ONE. 2012; 7(10):e46688). Based on the available evidence, the clinical significance of this variant remains unclear.

GeneDx
Classification: Uncertain significance. Last evaluated: 2021-02-02. Review status: criteria provided, single submitter. Criteria: GeneDx Variant Classification Process June 2021. Collection method: clinical testing. Allele origin: germline. Affected: yes.
Comment: Not observed in large population cohorts (Lek et al., 2016); In-frame deletion of one amino acid in a gene for which most reported pathogenic variants are truncating/loss-of-function; Has not been previously published as pathogenic or benign to our knowledge

Laboratory for Molecular Medicine, Mass General Brigham Personalized Medicine
Classification: Uncertain significance. Last evaluated: 2015-04-16. Review status: criteria provided, single submitter. Criteria: LMM Criteria. Collection method: clinical testing. Allele origin: germline. Observed: 1 variant allele.
Comment: The p.Glu12989del variant in TTN has not been previously reported in individuals with cardiomyopathy. Data from large population studies is insufficient to asse ss the frequency of this variant. This variant is a deletion of 1 amino acid at position 12989 and is not predicted to alter the protein reading-frame. It is un clear if this deletion will impact the protein. In summary, the clinical signifi cance of the p.Glu12989del variant is uncertain.